The following is an entry in ClinVar:

NM_001386140.1(MTTP):c.830del (p.Ile277fs)

Gene: MTTP (microsomal triglyceride transfer protein; plus strand). Cytogenetic location: 4q23.
Variant type: Deletion.
Coding change: c.830del on transcript NM_001386140.1 (MANE Select); coding-DNA position 830, one base deleted (T; older notation c.830delT).
Protein change: p.Ile277fs; shifts the reading frame from isoleucine 277.
Molecular consequence: frameshift variant.
Genome position (GRCh38, 1-based): chr4:99,594,804, T deleted. VCF-style (leftmost placement, unchanged base first): chr4-99594803-AT-A. GRCh37 (hg19) VCF-style: chr4-100515960-AT-A.
Other names: c.830del, p.Ile277fs (NM_000253.4); c.581del, p.Ile194fs (NM_001300785.2); short protein forms I194fs, I277fs.
Identifiers: ClinVar variation 5012440 (VCV005012440.1).

ClinVar aggregate classification (germline): Pathogenic (1 of 4 stars; one submission).

Conditions:
Abetalipoproteinaemia (ABL). Also called: MTP DEFICIENCY; Abetalipoproteinemia; Abetalipoproteinemia neuropathy; Apolipoprotein B deficiency; Congenital betalipoprotein deficiency syndrome. Identifiers: Orphanet 14, MedGen C0000744, MONDO:0008692, OMIM 200100, HP:0008181.

Submission:

Myriad Genetics, Inc.
Classification: Pathogenic for Abetalipoproteinaemia. Last evaluated: 2023-10-28. Review status: criteria provided, single submitter. Criteria: Myriad Autosomal Dominant, Autosomal Recessive and X-Linked Classification Criteria (2023). Collection method: clinical testing. Allele origin: unknown.
Comment: NM_000253.2(MTTP):c.830delT(I277Tfs*72) is expected to be pathogenic in the context of abetalipoproteinemia. This variant is predicted to lead to an abnormal or absent protein product due to the creation of a premature termination codon in MTTP, a gene where loss-of-function variants are known to be pathogenic. Please note: this variant was assessed in the context of healthy population screening.